The following is an entry in ClinVar:

ClinVar aggregate classification (germline): Uncertain significance. Review status: criteria provided, multiple submitters, no conflicts (2 of 4 stars). 5 submissions from 5 submitters: Uncertain significance (5). Last evaluated 2026-03-01.

Conditions:
Autosomal recessive limb-girdle muscular dystrophy type 2L (LGMDR12). Also called: Limb-girdle muscular dystrophy, type 2L; MUSCULAR DYSTROPHY, LIMB-GIRDLE, AUTOSOMAL RECESSIVE 12; Limb-Girdle Muscular Dystrophy R12 Anoctamin-5-Related (LGMD-R12). Identifiers: Orphanet 206549, MedGen C1969785, MONDO:0012652, OMIM 611307.
Gnathodiaphyseal dysplasia (GDD). Also called: GNATHODIAPHYSEAL SCLEROSIS; OSTEOGENESIS IMPERFECTA WITH UNUSUAL SKELETAL LESIONS. Identifiers: Orphanet 53697, MedGen C1833736, MONDO:0008151, OMIM 166260.
Inborn genetic diseases. Identifiers: MedGen C0950123, MeSH D030342.

Allele frequency attached by ClinVar (database versions not stated): ExAC 0.00002; gnomAD 0.00003 and 0.00004; TOPMed 0.00003; gnomAD exomes 0.00004 and 0.00008.
gnomAD v4.1: 131 of 1,612,798 alleles (0.0081%); highest among the groups gnomAD compares: Non-Finnish European, 0.0096%; no homozygotes.

Submissions (5):

CeGaT Center for Human Genetics Tuebingen
Classification: Uncertain significance. Last evaluated: 2026-03-01. Review status: criteria provided, single submitter. Criteria: CeGaT Center For Human Genetics Tuebingen Variant Classification Criteria Version 2. Collection method: clinical testing. Allele origin: germline. Affected: yes. Observed: 1 variant allele.
Comment: ANO5: PM2, BP4

Ambry Genetics
Classification: Uncertain significance for Inborn genetic diseases. Last evaluated: 2025-10-01. Review status: criteria provided, single submitter. Criteria: Ambry Variant Classification Scheme 2023. Collection method: clinical testing. Allele origin: germline.

Labcorp Genetics (formerly Invitae), Labcorp
Classification: Uncertain significance for Autosomal recessive limb-girdle muscular dystrophy type 2L; Gnathodiaphyseal dysplasia. Last evaluated: 2025-08-24. Review status: criteria provided, single submitter. Criteria: Invitae Variant Classification Sherloc (09022015). Collection method: clinical testing. Allele origin: germline.
Comment: This sequence change replaces asparagine, which is neutral and polar, with serine, which is neutral and polar, at codon 268 of the ANO5 protein (p.Asn268Ser). This variant is present in population databases (rs769560800, gnomAD 0.009%). This variant has not been reported in the literature in individuals affected with ANO5-related conditions. ClinVar contains an entry for this variant (Variation ID: 285687). Invitae Evidence Modeling of protein sequence and biophysical properties (such as structural, functional, and spatial information, amino acid conservation, physicochemical variation, residue mobility, and thermodynamic stability) indicates that this missense variant is not expected to disrupt ANO5 protein function with a negative predictive value of 80%. In summary, the available evidence is currently insufficient to determine the role of this variant in disease. Therefore, it has been classified as a Variant of Uncertain Significance.

Revvity Omics, Revvity
Classification: Uncertain significance. Last evaluated: 2019-07-17. Review status: criteria provided, single submitter. Criteria: ACMG Guidelines, 2015. Collection method: clinical testing. Allele origin: germline.

Eurofins Ntd Llc (ga)
Classification: Uncertain significance. Last evaluated: 2016-01-19. Review status: criteria provided, single submitter. Criteria: EGL Classification Definitions 2015. Collection method: clinical testing. Allele origin: germline. Observed: 2 variant alleles, 2 heterozygotes.

NM_213599.3(ANO5):c.803A>G (p.Asn268Ser)

Gene: ANO5 (anoctamin 5; plus strand). Cytogenetic location: 11p14.3.
Variant type: single nucleotide variant.
Coding change: c.803A>G on transcript NM_213599.3 (MANE Select); coding-DNA position 803, A replaced by G.
Protein change: p.Asn268Ser; replaces asparagine 268 with serine.
Molecular consequence: missense variant.
Genome position (GRCh38, 1-based): chr11:22,239,609, A>G. VCF-style: chr11-22239609-A-G. GRCh37 (hg19) VCF-style: chr11-22261155-A-G.
Other names: c.800A>G, p.Asn267Ser (NM_001142649.2); short protein forms N268S, N267S.
Identifiers: ClinVar variation 285687 (VCV000285687.25), dbSNP rs769560800, ClinGen allele CA5923036.